The following is an entry in ClinVar:

ClinVar aggregate classification (germline): Likely benign. Review status: criteria provided, single submitter (1 of 4 stars). 2 submissions from 2 submitters: Likely benign (1). 1 of the submissions does not count toward it. Last evaluated 2025-09-01.

Conditions:
Hereditary cancer-predisposing syndrome. Also called: Neoplastic Syndromes, Hereditary; Hereditary Cancer Syndrome; Tumor predisposition; Hereditary neoplastic syndrome. Identifiers: Orphanet 140162, MedGen C0027672, MeSH D009386, MONDO:0015356.

Submissions (2):

Ambry Genetics
Classification: Likely benign for Hereditary cancer-predisposing syndrome. Last evaluated: 2025-09-01. Review status: criteria provided, single submitter. Criteria: Ambry Variant Classification Scheme 2023. Collection method: clinical testing. Allele origin: germline.

Leiden Open Variation Database
Classification: Uncertain significance. Last evaluated: 2012-05-02. Review status: no assertion criteria provided. Collection method: curation. Allele origin: germline. Affected: yes. Not counted in ClinVar's aggregate classification.
Comment: Curator: Arleen D. Auerbach. Submitter to LOVD: Johan den Dunnen.

NM_005431.2(XRCC2):c.582G>T (p.Thr194=)

Gene: XRCC2 (X-ray repair cross complementing 2; minus strand). Cytogenetic location: 7q36.1.
Variant type: single nucleotide variant.
Coding change: c.582G>T on transcript NM_005431.2 (MANE Select); coding-DNA position 582, G replaced by T.
Protein change: p.Thr194=; no amino-acid change (threonine 194 retained).
Molecular consequence: synonymous variant.
Genome position (GRCh38, 1-based): chr7:152,648,903, C>A on the plus strand (G>T on the coding strand, the complement: XRCC2 is on the minus strand). VCF-style: chr7-152648903-C-A. GRCh37 (hg19) VCF-style: chr7-152345988-C-A.
Identifiers: ClinVar variation 929631 (VCV000929631.2), dbSNP rs769829135, ClinGen allele CA458895415.